The following is an entry in ClinVar:

NM_000363.5(TNNI3):c.294A>G (p.Arg98=)

Gene: TNNI3 (troponin I3, cardiac type; minus strand). Cytogenetic location: 19q13.42.
Variant type: single nucleotide variant.
Coding change: c.294A>G on transcript NM_000363.5 (MANE Select); coding-DNA position 294, A replaced by G.
Protein change: p.Arg98=; no amino-acid change (arginine 98 retained).
Molecular consequence: synonymous variant.
Genome position (GRCh38, 1-based): chr19:55,154,819, T>C on the plus strand (A>G on the coding strand, the complement: TNNI3 is on the minus strand). VCF-style: chr19-55154819-T-C. GRCh37 (hg19) VCF-style: chr19-55666187-T-C.
Other names: c.294A>G (LRG_432t1).
Identifiers: ClinVar variation 628991 (VCV000628991.14), dbSNP rs1568858567, ClinGen allele CA508989523.

ClinVar aggregate classification (germline): Likely benign. Review status: criteria provided, multiple submitters, no conflicts (2 of 4 stars). 5 submissions from 5 submitters: Likely benign (5). Last evaluated 2025-07-02.

Conditions:
Cardiovascular phenotype. Identifiers: MedGen CN230736.
Cardiomyopathy (CMYO). Also called: Cardiomyopathies. Identifiers: Orphanet 167848, MedGen C0878544, MONDO:0004994, HP:0001638. Inheritance: Various modes of inheritance.
Hypertrophic cardiomyopathy. Also called: HYPERTROPHIC MYOCARDIOPATHY. Identifiers: Orphanet 217569, MedGen C0007194, MeSH D002312, MONDO:0005045, HP:0001639.

Allele frequency attached by ClinVar (database versions not stated): gnomAD exomes 0.00001.

Submissions (5):

Labcorp Genetics (formerly Invitae), Labcorp
Classification: Likely benign for Hypertrophic cardiomyopathy. Last evaluated: 2025-07-02. Review status: criteria provided, single submitter. Criteria: Invitae Variant Classification Sherloc (09022015). Collection method: clinical testing. Allele origin: germline.

Ambry Genetics
Classification: Likely benign for Cardiovascular phenotype. Last evaluated: 2025-06-28. Review status: criteria provided, single submitter. Criteria: Ambry Variant Classification Scheme 2023. Collection method: clinical testing. Allele origin: germline.

All of Us Research Program, National Institutes of Health
Classification: Likely benign for Hypertrophic cardiomyopathy. Last evaluated: 2023-11-20. Review status: criteria provided, single submitter. Criteria: ACMG Guidelines, 2015. Collection method: clinical testing. Allele origin: germline. Inheritance: Autosomal dominant inheritance. Observed: 2 variant alleles, 2 heterozygotes.
Comment: This study involves interpretation of variants in research participants for the purpose of population health screening. Participant phenotype was not available at the time of variant classification. Additional details can be found in publication PMID: 35346344, PMCID: PMC8962531

Blueprint Genetics
Classification: Likely benign. Last evaluated: 2022-10-07. Review status: criteria provided, single submitter. Criteria: ACMG Guidelines, 2015. Collection method: clinical testing. Allele origin: germline.

Color Diagnostics, LLC DBA Color Health
Classification: Likely benign for Cardiomyopathy. Last evaluated: 2018-08-05. Review status: criteria provided, single submitter. Criteria: ACMG Guidelines, 2015. Collection method: clinical testing. Allele origin: germline.